The following is an entry in ClinVar:

NM_005751.5(AKAP9):c.8833-2A>C

Gene: AKAP9 (A-kinase anchoring protein 9; plus strand). Cytogenetic location: 7q21.2.
Variant type: single nucleotide variant.
Coding change: c.8833-2A>C on transcript NM_005751.5 (MANE Select); the canonical splice acceptor site of the intron before coding-DNA position 8833, A replaced by C.
Molecular consequence: splice acceptor variant.
Genome position (GRCh38, 1-based): chr7:92,085,493, A>C. VCF-style: chr7-92085493-A-C. GRCh37 (hg19) VCF-style: chr7-91714807-A-C.
Other names: c.8809-2A>C (NM_147185.3); c.3478-2A>C (NM_001379277.1).
Identifiers: ClinVar variation 4034116 (VCV004034116.1).

ClinVar aggregate classification (germline): Uncertain significance (1 of 4 stars; one submission).

Conditions:
Cardiovascular phenotype. Identifiers: MedGen CN230736.

gnomAD v4.1: 18 of 1,613,896 alleles (0.0011%); highest among the groups gnomAD compares: Non-Finnish European, 0.0015%; no homozygotes.

Submission:

Ambry Genetics
Classification: Uncertain significance for Cardiovascular phenotype. Last evaluated: 2025-06-13. Review status: criteria provided, single submitter. Criteria: Ambry Variant Classification Scheme 2023. Collection method: clinical testing. Allele origin: germline.
Comment: The c.8833-2A>C intronic variant results from an A to C substitution two nucleotides before coding exon 36 of the AKAP9 gene. This nucleotide position is highly conserved in available vertebrate species. In silico splice site analysis predicts that this alteration will weaken the native splice acceptor site. Alterations that disrupt the canonical splice site are expected to cause aberrant splicing, resulting in an abnormal protein or a transcript that is subject to nonsense-mediated mRNA decay. However, loss of function of AKAP9 has not been established as a mechanism of disease. The evidence for this gene-disease relationship is limited; therefore, the clinical significance of this alteration is unclear.